The following is an entry in ClinVar:

ClinVar aggregate classification (germline): Uncertain significance (1 of 4 stars; one submission).

Submission:

Labcorp Genetics (formerly Invitae), Labcorp
Classification: Uncertain significance. Last evaluated: 2025-11-10. Review status: criteria provided, single submitter. Criteria: Invitae Variant Classification Sherloc (09022015). Collection method: clinical testing. Allele origin: germline.
Comment: This sequence change replaces glutamine, which is neutral and polar, with proline, which is neutral and non-polar, at codon 443 of the RIMS1 protein (p.Gln443Pro). Information on the frequency of this variant in the gnomAD database is not available, as this variant may be reported differently in the database. This variant has not been reported in the literature in individuals affected with RIMS1-related conditions. ClinVar contains an entry for this variant (Variation ID: 1008365). An algorithm developed to predict the effect of missense changes on protein structure and function (PolyPhen-2) suggests that this variant is likely to be tolerated. In summary, the available evidence is currently insufficient to determine the role of this variant in disease. Therefore, it has been classified as a Variant of Uncertain Significance.

NM_014989.7(RIMS1):c.1328_1329delinsCC (p.Gln443Pro)

Gene: RIMS1 (regulating synaptic membrane exocytosis 1; plus strand). Cytogenetic location: 6q13.
Variant type: Indel.
Coding change: c.1328_1329delinsCC on transcript NM_014989.7 (MANE Select); coding-DNA positions 1328 to 1329, AG replaced by CC.
Protein change: p.Gln443Pro; replaces glutamine 443 with proline.
Molecular consequence: missense variant.
Genome position (GRCh38, 1-based): chr6:72,182,799-72,182,800, AG replaced by CC. VCF-style: chr6-72182799-AG-CC. GRCh37 (hg19) VCF-style: chr6-72892502-AG-CC.
Other names: short protein forms Q443P.
Identifiers: ClinVar variation 1008365 (VCV001008365.10), dbSNP rs2048551875, ClinGen allele CA1637580832.
Genomic context (GRCh38, chr6:72,182,799, plus strand): 5'-ACTCGCCGCGGGCTTACTCGGCTGAGAGAACTGCGGAGACCAGGGCGCCGGGCGCCAAGC[AG>CC]CTAACGAACCACAGCCCGCCGGCGCCCAGACATGGGCCGGTTCCCGCAGAAGCCCCGGAG-3'
Protein context (NP_055804.2, residues 433-453): TAETRAPGAK[Gln443Pro]LTNHSPPAPR